The following is an entry in ClinVar:

ClinVar aggregate classification (germline): Uncertain significance (1 of 4 stars; one submission).

Conditions:
Early-infantile DEE. Also called: Early infantile epileptic encephalopathy with suppression bursts; Early infantile epileptic encephalopathy; Ohtahara syndrome. Identifiers: Orphanet 1934, MedGen C0393706, MONDO:0800491.

Allele frequency attached by ClinVar (database versions not stated): TOPMed below 0.00001; ExAC 0.00001; gnomAD 0.00001; gnomAD exomes 0.00001.
gnomAD v4.1: 13 of 1,599,604 alleles (0.00081%); highest among the groups gnomAD compares: East Asian, 0.0022%; no homozygotes.

Submission:

Labcorp Genetics (formerly Invitae), Labcorp
Classification: Uncertain significance for Early-infantile DEE. Last evaluated: 2025-11-03. Review status: criteria provided, single submitter. Criteria: Invitae Variant Classification Sherloc (09022015). Collection method: clinical testing. Allele origin: germline.
Comment: This sequence change replaces valine, which is neutral and non-polar, with glycine, which is neutral and non-polar, at codon 865 of the KCNQ2 protein (p.Val865Gly). This variant is present in population databases (rs759860079, gnomAD 0.002%). This variant has not been reported in the literature in individuals affected with KCNQ2-related conditions. ClinVar contains an entry for this variant (Variation ID: 2064162). Invitae Evidence Modeling of protein sequence and biophysical properties (such as structural, functional, and spatial information, amino acid conservation, physicochemical variation, residue mobility, and thermodynamic stability) indicates that this missense variant is not expected to disrupt KCNQ2 protein function with a negative predictive value of 95%. In summary, the available evidence is currently insufficient to determine the role of this variant in disease. Therefore, it has been classified as a Variant of Uncertain Significance.

NM_172107.4(KCNQ2):c.2594T>G (p.Val865Gly)

Gene: KCNQ2 (potassium voltage-gated channel subfamily Q member 2; minus strand). Cytogenetic location: 20q13.33.
Variant type: single nucleotide variant.
Coding change: c.2594T>G on transcript NM_172107.4 (MANE Select); coding-DNA position 2594, T replaced by G.
Protein change: p.Val865Gly; replaces valine 865 with glycine.
Molecular consequence: missense variant.
Genome position (GRCh38, 1-based): chr20:63,406,669, A>C on the plus strand (T>G on the coding strand, the complement: KCNQ2 is on the minus strand). VCF-style: chr20-63406669-A-C. GRCh37 (hg19) VCF-style: chr20-62038022-A-C.
Other names: c.2648T>G, p.Val883Gly (NM_001382235.1); c.2510T>G, p.Val837Gly (NM_004518.6); c.2540T>G, p.Val847Gly (NM_172106.3); c.2501T>G, p.Val834Gly (NM_172108.5); short protein forms V865G, V883G, V837G, V847G, V834G.
Identifiers: ClinVar variation 2064162 (VCV002064162.4), dbSNP rs759860079, ClinGen allele CA9958053.